The following is an entry in ClinVar:

ClinVar aggregate classification (germline): Uncertain significance (1 of 4 stars; one submission).

Submission:

GeneDx
Classification: Uncertain significance. Last evaluated: 2025-05-08. Review status: criteria provided, single submitter. Criteria: GeneDx Variant Classification Process June 2021. Collection method: clinical testing. Allele origin: germline. Affected: yes.
Comment: Not observed at significant frequency in large population cohorts (gnomAD); In silico analysis suggests that this missense variant does not alter protein structure/function; Has not been previously published as pathogenic or benign to our knowledge

NM_001354712.2(THRB):c.1382A>G (p.Asp461Gly)

Gene: THRB (thyroid hormone receptor beta; minus strand). Cytogenetic location: 3p24.2.
Variant type: single nucleotide variant.
Coding change: c.1382A>G on transcript NM_001354712.2 (MANE Select); coding-DNA position 1382, A replaced by G.
Protein change: p.Asp461Gly; replaces aspartic acid 461 with glycine.
Molecular consequence: missense variant.
Genome position (GRCh38, 1-based): chr3:24,122,888, T>C on the plus strand (A>G on the coding strand, the complement: THRB is on the minus strand). VCF-style: chr3-24122888-T-C. GRCh37 (hg19) VCF-style: chr3-24164379-T-C.
Other names: c.1382A>G, p.Asp461Gly (NM_001128177.2, NM_001252634.2, NM_001354708.2 and 11 more transcripts); c.1289A>G, p.Asp430Gly (NM_001354714.2, NM_001354715.2); c.1211A>G, p.Asp404Gly (NM_001374827.1); short protein forms D404G, D430G, D461G.
Identifiers: ClinVar variation 4527925 (VCV004527925.1).